The following is an entry in ClinVar:

ClinVar aggregate classification (germline): Uncertain significance (1 of 4 stars; one submission).

Conditions:
Hereditary spastic paraplegia 11. Also called: Nakamura Osame syndrome; Autosomal recessive hereditary spastic paraplegia, mental impairment, and thin corpus callosum; SPASTIC PARAPLEGIA, AUTOSOMAL RECESSIVE, COMPLICATED, WITH THIN CORPUS CALLOSUM; SPASTIC PARAPLEGIA, AUTOSOMAL RECESSIVE, WITH MENTAL IMPAIRMENT AND THIN CORPUS CALLOSUM; Spastic Paraplegia 11; Spastic paraplegia, mental retardation and thin corpus callosum. Identifiers: Orphanet 2822, MedGen C1858479, MONDO:0011445, OMIM 604360.

Submission:

Institute of Human Genetics, University of Leipzig Medical Center
Classification: Uncertain significance for Hereditary spastic paraplegia 11. Last evaluated: 2019-08-23. Review status: criteria provided, single submitter. Criteria: ACMG Guidelines, 2015. Collection method: clinical testing. Allele origin: germline. Affected: yes. Observed: 1 variant allele.
Comment: This variant was identified as homozygous

NM_025137.4(SPG11):c.3725T>C (p.Leu1242Pro)

Gene: SPG11 (SPG11 vesicle trafficking associated, spatacsin; minus strand). Cytogenetic location: 15q21.1.
Variant type: single nucleotide variant.
Coding change: c.3725T>C on transcript NM_025137.4 (MANE Select); coding-DNA position 3725, T replaced by C.
Protein change: p.Leu1242Pro; replaces leucine 1242 with proline.
Molecular consequence: missense variant.
Genome position (GRCh38, 1-based): chr15:44,598,798, A>G on the plus strand (T>C on the coding strand, the complement: SPG11 is on the minus strand). VCF-style: chr15-44598798-A-G. GRCh37 (hg19) VCF-style: chr15-44890996-A-G.
Other names: c.3725T>C, p.Leu1242Pro (NM_001160227.2); short protein forms L1242P.
Identifiers: ClinVar variation 976017 (VCV000976017.1), dbSNP rs2083110455, ClinGen allele CA392230392.